The following is an entry in ClinVar:

GRCh38/hg38 1p31.3(chr1:61077177-62865614)x1

Genes: ANGPTL3 (angiopoietin like 3; plus strand), ATG4C (autophagy related 4C cysteine peptidase; plus strand), DOCK7 (dedicator of cytokinesis 7; minus strand), DOCK7-DT (DOCK7 divergent transcript; plus strand), KANK4 (KN motif and ankyrin repeat domains 4; minus strand) and 40 more. Cytogenetic location: 1p31.3.
Variant type: copy number loss.
Change: copy number 1 (one copy instead of two) of chr1:61,077,177-62,865,614 (1.79 Mb, GRCh38 coordinates, 1-based), cytogenetic band 1p31.3.
Identifiers: ClinVar variation 2579168 (VCV002579168.1).

ClinVar aggregate classification (germline): Pathogenic (1 of 4 stars; one submission).

Conditions:
Brain malformations with or without urinary tract defects. Also called: Brain malformations and urinary tract defects. Identifiers: MedGen C4478940, MONDO:0100478, OMIM 613735.

Submission:

Broad Center for Mendelian Genomics, Broad Institute of MIT and Harvard
Classification: Pathogenic for Brain malformations with or without urinary tract defects. Last evaluated: 2023-08-24. Review status: criteria provided, single submitter. Criteria: ACMG/ClinGen CNV Guidelines, 2019. Collection method: research. Allele origin: de novo. Inheritance: Autosomal dominant inheritance. Affected: yes.
Comment: These breakpoints have been estimated by exome sequencing only and therefore may not reflect the true breakpoints. The patient phenotype is nonspecific, but is consistent with cases described in the literature and/or published databases with overlapping variants. There is complete overlap with the NF1A gene which is known to be haploinsufficient and has been assessed by the ClinGen Dosage Sensitivity Working Group. In summary, the 1p31.2 deletion meets criteria to be classified as pathogenic. The ACMG/ClinGen evidence codes and points used in this curation are as follows: 1: 0 points, 2: 1.00 points, 3: 0 points, 4-5: 0.15 points; Total: 1.15 points; Riggs 2020 (PMID: 31690835)